The following is an entry in ClinVar:

ClinVar aggregate classification (germline): Uncertain significance. Review status: criteria provided, multiple submitters, no conflicts (2 of 4 stars). 2 submissions from 2 submitters: Uncertain significance (2). Last evaluated 2024-06-02.

Conditions:
Rod-cone dystrophy. Identifiers: MedGen C4551714, HP:0000510.

Allele frequency attached by ClinVar (database versions not stated): gnomAD exomes below 0.00001; ExAC 0.00001; gnomAD 0.00001; TOPMed 0.00001.
gnomAD v4.1: 2 of 1,598,090 alleles (0.00013%); highest among the groups gnomAD compares: African/African-American, 0.0027%; no homozygotes.

Submissions (2):

Labcorp Genetics (formerly Invitae), Labcorp
Classification: Uncertain significance. Last evaluated: 2024-06-02. Review status: criteria provided, single submitter. Criteria: Invitae Variant Classification Sherloc (09022015). Collection method: clinical testing. Allele origin: germline.
Comment: This sequence change replaces alanine, which is neutral and non-polar, with valine, which is neutral and non-polar, at codon 467 of the IFT88 protein (p.Ala467Val). This variant is present in population databases (rs751716540, gnomAD 0.008%). This missense change has been observed in individual(s) with inherited retinal degeneration (PMID: 34906470). ClinVar contains an entry for this variant (Variation ID: 1065745). An algorithm developed to predict the effect of missense changes on protein structure and function (PolyPhen-2) suggests that this variant is likely to be tolerated. In summary, the available evidence is currently insufficient to determine the role of this variant in disease. Therefore, it has been classified as a Variant of Uncertain Significance.

Ocular Genomics Institute, Massachusetts Eye and Ear
Classification: Uncertain significance for Rod-cone dystrophy. Last evaluated: 2021-04-08. Review status: criteria provided, single submitter. Criteria: ACMG Guidelines, 2015. Collection method: research. Allele origin: germline. Affected: yes.
Comment: Through a review of available evidence we were able to apply the following criteria: PM2. Based on this evidence we have classified this variant as Variant of Uncertain Significance.

Literature cited by the submitters: PubMed 34906470 (cited by Labcorp Genetics (formerly Invitae), Labcorp).

NM_006531.5(IFT88):c.1373C>T (p.Ala458Val)

Gene: IFT88 (intraflagellar transport 88; plus strand). Cytogenetic location: 13q12.11.
Variant type: single nucleotide variant.
Coding change: c.1373C>T on transcript NM_006531.5 (MANE Select); coding-DNA position 1373, C replaced by T.
Protein change: p.Ala458Val; replaces alanine 458 with valine.
Molecular consequence: missense variant. On other transcripts: non-coding transcript variant (5).
Genome position (GRCh38, 1-based): chr13:20,631,089, C>T. VCF-style: chr13-20631089-C-T. GRCh37 (hg19) VCF-style: chr13-21205228-C-T.
Other names: c.1316C>T, p.Ala439Val (NM_001318491.2, NM_001353575.2); c.1400C>T, p.Ala467Val (NM_001318493.2, NM_001353565.2, NM_001353566.2 and 2 more transcripts); c.1373C>T, p.Ala458Val (NM_001353568.2, NM_001353572.2); c.1298C>T, p.Ala433Val (NM_001353569.2, NM_001353570.2, NM_001353576.2 and 1 more transcripts); c.1271C>T, p.Ala424Val (NM_001353571.2, NM_001353578.2); c.1229C>T, p.Ala410Val (NM_001353573.2); c.1214C>T, p.Ala405Val (NM_001353574.2); c.740C>T, p.Ala247Val (NM_001353579.2); short protein forms A247V, A405V, A410V, A424V, A433V, A439V, A458V, A467V.
Identifiers: ClinVar variation 1065745 (VCV001065745.3), dbSNP rs751716540, ClinGen allele CA6905386.